The following is an entry in ClinVar:

ClinVar aggregate classification (germline): Pathogenic (1 of 4 stars; one submission).

Submission:

Labcorp Genetics (formerly Invitae), Labcorp
Classification: Pathogenic. Last evaluated: 2022-09-27. Review status: criteria provided, single submitter. Criteria: Invitae Variant Classification Sherloc (09022015). Collection method: clinical testing. Allele origin: germline.
Comment: This variant, c.561_656del, results in the deletion of 32 amino acid(s) of the FLVCR1 protein (p.Ala188_Gly219del), but otherwise preserves the integrity of the reading frame. This variant is not present in population databases (gnomAD no frequency). This variant has not been reported in the literature in individuals affected with FLVCR1-related conditions. ClinVar contains an entry for this variant (Variation ID: 1415512). For these reasons, this variant has been classified as Pathogenic. This variant disrupts a region of the FLVCR1 protein in which other variant(s) (p.Cys192Arg) have been determined to be pathogenic (PMID: 21070897, 22483575, 27923065). This suggests that this is a clinically significant region of the protein, and that variants that disrupt it are likely to be disease-causing.

Literature cited by the submitters: PubMed 21070897; PubMed 22483575; PubMed 27923065.

NM_014053.4(FLVCR1):c.561_656del (p.Ala188_Gly219del)

Gene: FLVCR1 (FLVCR choline and heme transporter 1; plus strand). Cytogenetic location: 1q32.3.
Variant type: Deletion.
Coding change: c.561_656del on transcript NM_014053.4 (MANE Select); coding-DNA positions 561 to 656, 96 bases deleted.
Protein change: p.Ala188_Gly219del.
Molecular consequence: inframe deletion.
Genome position (GRCh38, 1-based): chr1:212,859,013-212,859,108, 96 bases deleted. GRCh37 (hg19): chr1:213,032,355-213,032,450.
Identifiers: ClinVar variation 1415512 (VCV001415512.6), dbSNP rs1664132167, ClinGen allele CA1012005912.